The following is an entry in ClinVar:

NM_006946.4(SPTBN2):c.3679C>T (p.Arg1227Trp)

Gene: SPTBN2 (spectrin beta, non-erythrocytic 2; minus strand). Cytogenetic location: 11q13.2.
Variant type: single nucleotide variant.
Coding change: c.3679C>T on transcript NM_006946.4 (MANE Select); coding-DNA position 3679, C replaced by T.
Protein change: p.Arg1227Trp; replaces arginine 1227 with tryptophan.
Molecular consequence: missense variant.
Genome position (GRCh38, 1-based): chr11:66,699,503, G>A on the plus strand (C>T on the coding strand, the complement: SPTBN2 is on the minus strand). VCF-style: chr11-66699503-G-A. GRCh37 (hg19) VCF-style: chr11-66466974-G-A.
Other names: c.3700C>T, p.Arg1234Trp (NM_001411025.1); short protein forms R1227W, R1234W.
Identifiers: ClinVar variation 2579466 (VCV002579466.1), dbSNP rs766811381, ClinGen allele CA6128801.
Genomic context (GRCh38, chr11:66,699,503, plus strand): 5'-CGGCGTGGATGTTGCCTTCAGATACCAGCTGGCGGCCAGCCTCCAGGAGCCCGTGGATCC[G>A]TTCCCCATTGGCGTCCATGGTGCTCATGAAGTCCTCCAGTTTTTTAATGGCAGCATCAGC-3'
Protein context (NP_008877.2, residues 1217-1237): FMSTMDANGE[Arg1227Trp]IHGLLEAGRQ

ClinVar aggregate classification (germline): Uncertain significance (1 of 4 stars; one submission).

Allele frequency attached by ClinVar (database versions not stated): ExAC 0.00001; gnomAD exomes 0.00004.
gnomAD v4.1: 59 of 1,614,130 alleles (0.0037%); highest among the groups gnomAD compares: Non-Finnish European, 0.0048%; no homozygotes.

Submission:

GeneDx
Classification: Uncertain significance. Last evaluated: 2023-03-07. Review status: criteria provided, single submitter. Criteria: GeneDx Variant Classification Process June 2021. Collection method: clinical testing. Allele origin: germline. Affected: yes.
Comment: In silico analysis supports that this missense variant has a deleterious effect on protein structure/function; Has not been previously published as pathogenic or benign to our knowledge